The following is an entry in ClinVar:

ClinVar aggregate classification (germline): Uncertain significance. Review status: criteria provided, multiple submitters, no conflicts (2 of 4 stars). 4 submissions from 4 submitters: Uncertain significance (4). Last evaluated 2025-05-16.

Conditions:
Isolated focal cortical dysplasia type II (FCORD2). Also called: Focal cortical dysplasia type II; CORTICAL DYSPLASIA OF TAYLOR. Identifiers: Orphanet 268994, MedGen C1846385, MONDO:0011818, OMIM 607341, HP:0032051.
Tuberous sclerosis 1 (TSC1). Identifiers: Orphanet 805, MedGen C1854465, MONDO:0008612, OMIM 191100.
Lymphangiomyomatosis (LAM). Also called: Lymphangioleiomyomatosis, somatic; Lymphangioleiomyomatosis. Identifiers: Orphanet 538, MedGen C0751674, MONDO:0011705, OMIM 606690.
Hereditary cancer-predisposing syndrome. Also called: Tumor predisposition; Neoplastic Syndromes, Hereditary; Hereditary Cancer Syndrome; Hereditary neoplastic syndrome. Identifiers: Orphanet 140162, MedGen C0027672, MeSH D009386, MONDO:0015356.
Tuberous sclerosis syndrome (TSC). Also called: Tuberous Sclerosis Complex; Tuberous sclerosis. Identifiers: Orphanet 805, MedGen C0041341, MONDO:0001734.

Submissions (4):

Ambry Genetics
Classification: Uncertain significance for Hereditary cancer-predisposing syndrome. Last evaluated: 2025-05-16. Review status: criteria provided, single submitter. Criteria: Ambry Variant Classification Scheme 2023. Collection method: clinical testing. Allele origin: germline.
Comment: The p.M13I variant (also known as c.39G>A), located in coding exon 1 of the TSC1 gene, results from a G to A substitution at nucleotide position 39. The methionine at codon 13 is replaced by isoleucine, an amino acid with highly similar properties. This amino acid position is well conserved in available vertebrate species. In addition, the in silico prediction for this alteration is inconclusive. Based on the available evidence, the clinical significance of this variant remains unclear.

All of Us Research Program, National Institutes of Health
Classification: Uncertain significance for Tuberous sclerosis syndrome. Last evaluated: 2023-07-10. Review status: criteria provided, single submitter. Criteria: ACMG Guidelines, 2015. Collection method: clinical testing. Allele origin: germline. Inheritance: Autosomal dominant inheritance. Observed: 1 variant allele, 1 heterozygote.
Comment: This missense variant replaces methionine with isoleucine at codon 13 of the TSC1 protein. Computational prediction suggests that this variant may not impact protein structure and function (internally defined REVEL score threshold <= 0.5, PMID: 27666373). To our knowledge, functional studies have not been reported for this variant. This variant has not been reported in individuals affected with TSC1-related disorders in the literature. This variant has not been identified in the general population by the Genome Aggregation Database (gnomAD). The available evidence is insufficient to determine the role of this variant in disease conclusively. Therefore, this variant is classified as a Variant of Uncertain Significance.

This study involves interpretation of variants in research participants for the purpose of population health screening. Participant phenotype was not available at the time of variant classification. Additional details can be found in publication PMID: 35346344, PMCID: PMC8962531

Labcorp Genetics (formerly Invitae), Labcorp
Classification: Uncertain significance for Tuberous sclerosis 1. Last evaluated: 2022-05-14. Review status: criteria provided, single submitter. Criteria: Invitae Variant Classification Sherloc (09022015). Collection method: clinical testing. Allele origin: germline.
Comment: This sequence change replaces methionine, which is neutral and non-polar, with isoleucine, which is neutral and non-polar, at codon 13 of the TSC1 protein (p.Met13Ile). This variant is not present in population databases (gnomAD no frequency). This variant has not been reported in the literature in individuals affected with TSC1-related conditions. ClinVar contains an entry for this variant (Variation ID: 1062123). Algorithms developed to predict the effect of missense changes on protein structure and function (SIFT, PolyPhen-2, Align-GVGD) all suggest that this variant is likely to be tolerated. In summary, the available evidence is currently insufficient to determine the role of this variant in disease. Therefore, it has been classified as a Variant of Uncertain Significance.

Fulgent Genetics
Classification: Uncertain significance for Tuberous sclerosis 1; Lymphangiomyomatosis; Isolated focal cortical dysplasia type II. Last evaluated: 2022-02-02. Review status: criteria provided, single submitter. Criteria: ACMG Guidelines, 2015. Collection method: clinical testing. Allele origin: unknown.

NM_000368.5(TSC1):c.39G>A (p.Met13Ile)

Gene: TSC1 (TSC complex subunit 1; minus strand). Cytogenetic location: 9q34.13.
Variant type: single nucleotide variant.
Coding change: c.39G>A on transcript NM_000368.5 (MANE Select); coding-DNA position 39, G replaced by A.
Protein change: p.Met13Ile; replaces methionine 13 with isoleucine.
Molecular consequence: missense variant. On other transcripts: 5 prime UTR variant (1).
Genome position (GRCh38, 1-based): chr9:132,928,834, C>T on the plus strand (G>A on the coding strand, the complement: TSC1 is on the minus strand). VCF-style: chr9-132928834-C-T. GRCh37 (hg19) VCF-style: chr9-135804221-C-T.
Other names: c.39G>A, p.Met13Ile (NM_001162426.2, NM_001162427.2); c.-221G>A (NM_001362177.2); c.39G>A (NM_000368.4); short protein forms M13I.
Identifiers: ClinVar variation 1062123 (VCV001062123.12), dbSNP rs2132296041, ClinGen allele CA375375395.
Genomic context (GRCh38, chr9:132,928,834, plus strand): 5'-GAGGTTCTCTTTAAAGACAGCTGTCACGTCGTCCCGCACACCCAGCATGGGGGAGTCCAG[C>T]ATGGCAAGAAGCTCCCCGACATTTGCTTGTTGGGCCATTCTCTCGCTCGAAGGCGCTGTG-3'
Protein context (NP_000359.1, residues 3-23): QQANVGELLA[Met13Ile]LDSPMLGVRD